The following is an entry in ClinVar:

ClinVar aggregate classification (germline): Uncertain significance (1 of 4 stars; one submission).

Allele frequency attached by ClinVar (database versions not stated): gnomAD exomes below 0.00001; TOPMed below 0.00001.
gnomAD v4.1: 2 of 1,613,538 alleles (0.00012%); highest among the groups gnomAD compares: Admixed American, 0.0033%; no homozygotes.

Submission:

Labcorp Genetics (formerly Invitae), Labcorp
Classification: Uncertain significance. Last evaluated: 2023-02-13. Review status: criteria provided, single submitter. Criteria: Invitae Variant Classification Sherloc (09022015). Collection method: clinical testing. Allele origin: germline.
Comment: In summary, the available evidence is currently insufficient to determine the role of this variant in disease. Therefore, it has been classified as a Variant of Uncertain Significance. Algorithms developed to predict the effect of sequence changes on RNA splicing suggest that this variant may create or strengthen a splice site. Advanced modeling of protein sequence and biophysical properties (such as structural, functional, and spatial information, amino acid conservation, physicochemical variation, residue mobility, and thermodynamic stability) performed at Invitae indicates that this missense variant is not expected to disrupt TRPC3 protein function. This variant has not been reported in the literature in individuals affected with TRPC3-related conditions. This variant is present in population databases (no rsID available, gnomAD 0.003%). This sequence change replaces lysine, which is basic and polar, with arginine, which is basic and polar, at codon 801 of the TRPC3 protein (p.Lys801Arg).

NM_001130698.2(TRPC3):c.2402A>G (p.Lys801Arg)

Gene: TRPC3 (transient receptor potential cation channel subfamily C member 3; minus strand). Cytogenetic location: 4q27.
Variant type: single nucleotide variant.
Coding change: c.2402A>G on transcript NM_001130698.2 (MANE Select); coding-DNA position 2402, A replaced by G.
Protein change: p.Lys801Arg; replaces lysine 801 with arginine.
Molecular consequence: missense variant.
Genome position (GRCh38, 1-based): chr4:121,902,913, T>C on the plus strand (A>G on the coding strand, the complement: TRPC3 is on the minus strand). VCF-style: chr4-121902913-T-C. GRCh37 (hg19) VCF-style: chr4-122824068-T-C.
Other names: c.2402A>G, p.Lys801Arg (NM_001366479.2); c.2183A>G, p.Lys728Arg (NM_003305.2); short protein forms K728R, K801R.
Identifiers: ClinVar variation 3021166 (VCV003021166.3), dbSNP rs1293654067, ClinGen allele CA358052598.
Genomic context (GRCh38, chr4:121,902,913, plus strand): 5'-CTGGACTTTGAGTTACCCATTCCCATTTCTATATCCTTCTGAAGCCTTCTCCTTCTGCAT[T>C]TGGGAAAGTTAACAATTCGCATGATGAAATAAACAAATGATTTTGGACTAGGAACTAGAC-3'
Protein context (NP_001124170.1, residues 791-811): YFIMRIVNFP[Lys801Arg]CRRRRLQKDI